The following is an entry in ClinVar:

ClinVar aggregate classification (germline): Pathogenic (1 of 4 stars; one submission).

Submission:

GeneDx
Classification: Pathogenic. Last evaluated: 2023-07-11. Review status: criteria provided, single submitter. Criteria: GeneDx Variant Classification Process June 2021. Collection method: clinical testing. Allele origin: germline. Affected: yes.
Comment: Nonsense variant predicted to result in protein truncation or nonsense mediated decay in a gene for which loss of function is a known mechanism of disease; Not observed at significant frequency in large population cohorts (gnomAD); Has not been previously published as pathogenic or benign to our knowledge

NM_005862.3(STAG1):c.3046C>T (p.Arg1016Ter)

Gene: STAG1 (STAG1 cohesin complex component; minus strand). Cytogenetic location: 3q22.3.
Variant type: single nucleotide variant.
Coding change: c.3046C>T on transcript NM_005862.3 (MANE Select); coding-DNA position 3046, C replaced by T.
Protein change: p.Arg1016Ter; replaces arginine 1016 with a stop codon.
Molecular consequence: nonsense.
Genome position (GRCh38, 1-based): chr3:136,357,739, G>A on the plus strand (C>T on the coding strand, the complement: STAG1 is on the minus strand). VCF-style: chr3-136357739-G-A. GRCh37 (hg19) VCF-style: chr3-136076581-G-A.
Other names: short protein forms R1016*.
Identifiers: ClinVar variation 2572950 (VCV002572950.1), dbSNP rs2530078152, ClinGen allele CA354644120.